The following is an entry in ClinVar:

ClinVar aggregate classification (germline): Pathogenic (1 of 4 stars; one submission).

Conditions:
Immunodeficiency 19 (IMD19). Also called: IMMUNODEFICIENCY 19, SEVERE COMBINED; CD3-DELTA DEFICIENCY; SEVERE COMBINED IMMUNODEFICIENCY, T CELL-NEGATIVE, B CELL-POSITIVE, NK CELL-POSITIVE; SCID, T CELL-NEGATIVE, B CELL-POSITIVE, NK CELL-POSITIVE. Identifiers: MedGen C3810147, MONDO:0014280, OMIM 615617.

Submission:

Labcorp Genetics (formerly Invitae), Labcorp
Classification: Pathogenic for Immunodeficiency 19. Last evaluated: 2020-11-19. Review status: criteria provided, single submitter. Criteria: Invitae Variant Classification Sherloc (09022015). Collection method: clinical testing. Allele origin: germline.
Comment: This sequence change creates a premature translational stop signal (p.Gln18Serfs*12) in the CD3D gene. It is expected to result in an absent or disrupted protein product. Loss-of-function variants in CD3D are known to be pathogenic (PMID: 14602880, 15546002). For these reasons, this variant has been classified as Pathogenic. This variant has not been reported in the literature in individuals with CD3D-related conditions. This variant is not present in population databases (ExAC no frequency).

Literature cited by the submitters: PubMed 14602880; PubMed 15546002.

NM_000732.6(CD3D):c.51_52del (p.Gln18fs)

Gene: CD3D (CD3 delta subunit of T-cell receptor complex; minus strand). Cytogenetic location: 11q23.3.
Variant type: Deletion.
Coding change: c.51_52del on transcript NM_000732.6 (MANE Select); coding-DNA positions 51 to 52, 2 bases deleted (GC; older notation c.51_52delGC).
Protein change: p.Gln18fs; shifts the reading frame from glutamine 18.
Molecular consequence: frameshift variant.
Genome position (GRCh38, 1-based): chr11:118,342,556-118,342,557, GC deleted on the plus strand (GC on the coding strand, the reverse complement: CD3D is on the minus strand); deleting any 2 consecutive bases within chr11:118,342,556-118,342,558 gives the same sequence; the c. name uses the placement nearest the transcript's 3' end. VCF-style (leftmost placement, unchanged base first): chr11-118342555-TGC-T. GRCh37 (hg19) VCF-style: chr11-118213270-TGC-T.
Other names: c.51_52del, p.Gln18fs (NM_001040651.2); short protein forms Q18fs.
Identifiers: ClinVar variation 1075708 (VCV001075708.7), dbSNP rs1180673589, ClinGen allele CA672357656.